The following is an entry in ClinVar:

NM_002473.6(MYH9):c.2482T>C (p.Trp828Arg)

Gene: MYH9 (myosin heavy chain 9; minus strand). Cytogenetic location: 22q12.3.
Variant type: single nucleotide variant.
Coding change: c.2482T>C on transcript NM_002473.6 (MANE Select); coding-DNA position 2482, T replaced by C.
Protein change: p.Trp828Arg; replaces tryptophan 828 with arginine.
Molecular consequence: missense variant.
Genome position (GRCh38, 1-based): chr22:36,302,585, A>G on the plus strand (T>C on the coding strand, the complement: MYH9 is on the minus strand). VCF-style: chr22-36302585-A-G. GRCh37 (hg19) VCF-style: chr22-36698631-A-G.
Other names: short protein forms W828R.
Identifiers: ClinVar variation 1679093 (VCV001679093.3), dbSNP rs2146345102, ClinGen allele CA411394955.

ClinVar aggregate classification (germline): Likely pathogenic. Review status: criteria provided, multiple submitters, no conflicts (2 of 4 stars). 4 submissions from 3 submitters: Likely pathogenic (3). 1 of the submissions does not count toward it. Last evaluated 2022-11-17.

Conditions:
Macrothrombocytopenia and granulocyte inclusions with or without nephritis or sensorineural hearing loss (MATINS). Also called: MAY-HEGGLIN ANOMALY; DOHLE LEUKOCYTE INCLUSIONS WITH GIANT PLATELETS; BLEEDING DISORDER, PLATELET-TYPE, 6; MYH9-Related Disease (MYH9-RD); MACROTHROMBOCYTOPENIA WITH LEUKOCYTE INCLUSIONS; SEBASTIAN PLATELET SYNDROME. Identifiers: Orphanet 182050, MedGen C5200934, MONDO:0015912, OMIM 155100.
Macrothrombocytopenia. Identifiers: MedGen C2751260, HP:0040185.
MYH9-related disorder. Identifiers: MedGen C1854520.

Submissions (4):

Genetics and Molecular Pathology, SA Pathology
Classification: Likely pathogenic for Macrothrombocytopenia and granulocyte inclusions with or without nephritis or sensorineural hearing loss. Last evaluated: 2022-11-17. Review status: criteria provided, single submitter. Criteria: ACMG Guidelines, 2015. Collection method: clinical testing. Allele origin: germline. Inheritance: Autosomal dominant inheritance. Affected: yes.
Comment: The MYH9 c.2482T>C variant is classified as Likely Pathogenic (PS4_Moderate, PM2, PS3_supporting, PP2) The MYH9 c.2482T>C variant is a single nucleotide change in exon 20/41 of the MYH9 gene, which is predicted to change the amino acid tryptophan at position 828 in the protein to arginine. The variant has been reported in two patients with macrothrombocytopenia (PMID:29090586) (PS4_Moderate). This variant is absent from population databases (PM2). Immunofluorescence staining showed type III neutrophil inclusion body in one of the patients with the variant (PMID:29090586) (PS3_supporting). This is a missense variant in a constrained gene where missense variants are a common mechanism of disease and benign variation is rare (PP2). The variant has been reported as disease causing in the HGMD database (CM1723927). It has not been reported in dbSNP or ClinVar.

Blueprint Genetics
Classification: Likely pathogenic for MYH9-related disorders. Last evaluated: 2018-02-26. Review status: criteria provided, single submitter. Criteria: ACMG Guidelines, 2015. Collection method: clinical testing. Allele origin: germline. Affected: yes. Observed: 1 variant allele.

ISTH-SSC Genomics in Thrombosis and Hemostasis, KU Leuven, Center for Molecular and Vascular Biology
Classification: Likely pathogenic for Macrothrombocytopenia and granulocyte inclusions with or without nephritis or sensorineural hearing loss. Review status: criteria provided, single submitter. Criteria: ACMG Guidelines, 2015. Collection method: research. Allele origin: unknown. Affected: yes. Observed: 2 heterozygotes. Clinical features observed: familial macrothrombocytopenia, Dohle-like bodies by immunofluorescence.
Comment: Goldvariant submitters: Karyn Mégy, NIHR Bioresource - Cambridge University, UK and Dr Marie-Christine Morel-Kopp, Northern Blood Research Centre, Sydney, Australia

ISTH-SSC Genomics in Thrombosis and Hemostasis, KU Leuven, Center for Molecular and Vascular Biology
Classification: Pathogenic for Macrothrombocytopenia. Review status: no assertion criteria provided. Collection method: research. Allele origin: unknown. Affected: yes. Not counted in ClinVar's aggregate classification.
Comment: Submitted to GoldVariant by Dr Marie-Christine Morel-Kopp from Northern Blood Research Centre, Sydney, Australia

Literature cited by the submitters: PubMed 29090586 (cited by Genetics and Molecular Pathology, SA Pathology and ISTH-SSC Genomics in Thrombosis and Hemostasis, KU Leuven, Center for Molecular and Vascular Biology); PubMed 34355501 (cited by ISTH-SSC Genomics in Thrombosis and Hemostasis, KU Leuven, Center for Molecular and Vascular Biology).